The following is an entry in ClinVar:

ClinVar aggregate classification (germline): Uncertain significance (1 of 4 stars; one submission).

Conditions:
Familial melanoma. Also called: Hereditary melanoma; Hereditary cutaneous melanoma. Identifiers: Orphanet 618, MedGen C1512419, MONDO:0018961.

Submission:

Labcorp Genetics (formerly Invitae), Labcorp
Classification: Uncertain significance for Hereditary cutaneous melanoma. Last evaluated: 2019-11-21. Review status: criteria provided, single submitter. Criteria: Invitae Variant Classification Sherloc (09022015). Collection method: clinical testing. Allele origin: germline.
Comment: This variant results in a copy number gain of the genomic region encompassing the full coding sequence of the CDK4 gene. The boundaries of this event are unknown as they extend beyond the assayed region for this gene and therefore may encompass additional genes. As the precise location of this event is unknown, it may be in tandem or it may be located elsewhere in the genome. This variant has not been reported in the literature in individuals with CDK4-related conditions. In summary, the available evidence is currently insufficient to determine the role of this variant in disease. Therefore, it has been classified as a Variant of Uncertain Significance.

NC_000012.12:g.(?_57748525)_(57751717_?)dup

Gene: CDK4 (cyclin dependent kinase 4; minus strand). Cytogenetic location: 12q14.1.
Variant type: Duplication.
Identifiers: ClinVar variation 832766 (VCV000832766.1).